The following is an entry in ClinVar:

NM_006904.7(PRKDC):c.3129A>C (p.Gln1043His)

Gene: PRKDC (protein kinase, DNA-activated, catalytic subunit; minus strand). Cytogenetic location: 8q11.21.
Variant type: single nucleotide variant.
Coding change: c.3129A>C on transcript NM_006904.7 (MANE Select); coding-DNA position 3129, A replaced by C.
Protein change: p.Gln1043His; replaces glutamine 1043 with histidine.
Molecular consequence: missense variant.
Genome position (GRCh38, 1-based): chr8:47,902,709, T>G on the plus strand (A>C on the coding strand, the complement: PRKDC is on the minus strand). VCF-style: chr8-47902709-T-G. GRCh37 (hg19) VCF-style: chr8-48815269-T-G.
Other names: c.3129A>C, p.Gln1043His (NM_001081640.2); short protein forms Q1043H.
Identifiers: ClinVar variation 3310076 (VCV003310076.1).

ClinVar aggregate classification (germline): Uncertain significance (1 of 4 stars; one submission).

gnomAD v4.1: 4 of 1,613,840 alleles (0.00025%); highest among the groups gnomAD compares: Non-Finnish European, 0.00034%; no homozygotes.

Submission:

Ambry Genetics
Classification: Uncertain significance. Last evaluated: 2024-05-04. Review status: criteria provided, single submitter. Criteria: Ambry Variant Classification Scheme 2023. Collection method: clinical testing. Allele origin: germline.
Comment: The p.Q1043H variant (also known as c.3129A>C), located in coding exon 27 of the PRKDC gene, results from an A to C substitution at nucleotide position 3129. The glutamine at codon 1043 is replaced by histidine, an amino acid with highly similar properties. This amino acid position is conserved. In addition, the in silico prediction for this alteration is inconclusive. Based on the available evidence, the clinical significance of this variant remains unclear.